The following is an entry in ClinVar:

NM_001005373.4(LRSAM1):c.1861G>A (p.Glu621Lys)

Gene: LRSAM1 (leucine rich repeat and sterile alpha motif containing 1; plus strand). Cytogenetic location: 9q33.3.
Variant type: single nucleotide variant.
Coding change: c.1861G>A on transcript NM_001005373.4 (MANE Select); coding-DNA position 1861, G replaced by A.
Protein change: p.Glu621Lys; replaces glutamic acid 621 with lysine.
Molecular consequence: missense variant. On other transcripts: non-coding transcript variant (2).
Genome position (GRCh38, 1-based): chr9:127,497,283, G>A. VCF-style: chr9-127497283-G-A. GRCh37 (hg19) VCF-style: chr9-130259562-G-A.
Other names: c.1861G>A, p.Glu621Lys (NM_001005374.4, NM_001384142.1, NM_138361.5); c.1780G>A, p.Glu594Lys (NM_001190723.3); c.1762G>A, p.Glu588Lys (NM_001384143.1); c.1072G>A, p.Glu358Lys (NM_001384144.1); short protein forms E358K, E588K, E621K, E594K.
Identifiers: ClinVar variation 1781514 (VCV001781514.4), dbSNP rs554466701, ClinGen allele CA5247165.

ClinVar aggregate classification (germline): Uncertain significance. Review status: criteria provided, multiple submitters, no conflicts (2 of 4 stars). 2 submissions from 2 submitters: Uncertain significance (2). Last evaluated 2024-10-16.

Conditions:
Inborn genetic diseases. Identifiers: MedGen C0950123, MeSH D030342.

Allele frequency attached by ClinVar (database versions not stated): TOPMed below 0.00001; 1000 Genomes Project 0.00020; ExAC 0.00002; gnomAD exomes 0.00001; gnomAD 0.00002; 1000 Genomes Project 30x 0.00016.
gnomAD v4.1: 21 of 1,613,122 alleles (0.0013%); highest among the groups gnomAD compares: East Asian, 0.0067%; no homozygotes.

Submissions (2):

Dasa
Classification: Uncertain significance. Last evaluated: 2024-10-16. Review status: criteria provided, single submitter. Criteria: DASA Assertion Criteria. Collection method: clinical testing. Allele origin: germline.
Comment: NM_001005373.4(LRSAM1):c.1861G>A (p.Glu621Lys) is a missense variant that results in the substitution of glutamic acid with lysine. This variant is rare in population databases. Computational prediction algorithms are consistent with a benign effect. The currently available literature and clinical evidence are not sufficient to establish a definitive association between this variant and the reported condition. Therefore, this variant is classified as a variant of uncertain significance.

Ambry Genetics
Classification: Uncertain significance for Inborn genetic diseases. Last evaluated: 2021-05-21. Review status: criteria provided, single submitter. Criteria: Ambry Variant Classification Scheme 2023. Collection method: clinical testing. Allele origin: germline.
Comment: The p.E621K variant (also known as c.1861G>A), located in coding exon 22 of the LRSAM1 gene, results from a G to A substitution at nucleotide position 1861. The glutamic acid at codon 621 is replaced by lysine, an amino acid with similar properties. This amino acid position is not well conserved in available vertebrate species. In addition, this alteration is predicted to be tolerated by in silico analysis. Since supporting evidence is limited at this time, the clinical significance of this alteration remains unclear.